The following is an entry in ClinVar:

ClinVar aggregate classification (germline): Uncertain significance (1 of 4 stars; one submission).

Submission:

Labcorp Genetics (formerly Invitae), Labcorp
Classification: Uncertain significance. Last evaluated: 2024-02-24. Review status: criteria provided, single submitter. Criteria: Invitae Variant Classification Sherloc (09022015). Collection method: clinical testing. Allele origin: germline.
Comment: This sequence change falls in intron 11 of the PLK4 gene. It does not directly change the encoded amino acid sequence of the PLK4 protein. This variant is not present in population databases (gnomAD no frequency). This variant has not been reported in the literature in individuals affected with PLK4-related conditions. Algorithms developed to predict the effect of sequence changes on RNA splicing suggest that this variant may disrupt the consensus splice site. In summary, the available evidence is currently insufficient to determine the role of this variant in disease. Therefore, it has been classified as a Variant of Uncertain Significance.

NM_014264.5(PLK4):c.2323-12_2323-10del

Gene: PLK4 (polo like kinase 4; plus strand). Cytogenetic location: 4q28.1.
Variant type: Microsatellite.
Coding change: c.2323-12_2323-10del on transcript NM_014264.5 (MANE Select); 12 bases into the intron before coding-DNA position 2323 through 10 bases into the intron before coding-DNA position 2323, 3 bases deleted (CTT; older notation c.2323-12_2323-10delCTT).
Molecular consequence: intron variant.
Genome position (GRCh38, 1-based): chr4:127,893,501-127,893,503, CTT deleted; deleting any 3 consecutive bases within chr4:127,893,497-127,893,503 gives the same sequence; the c. name uses the placement nearest the transcript's 3' end. VCF-style (leftmost placement, unchanged base first): chr4-127893496-CTCT-C. GRCh37 (hg19) VCF-style: chr4-128814651-CTCT-C.
Other names: c.2227-12_2227-10del (NM_001190799.2); c.2200-12_2200-10del (NM_001190801.2).
Identifiers: ClinVar variation 2122787 (VCV002122787.4), dbSNP rs2546023080, ClinGen allele CA2580616776.
Genomic context (GRCh38, chr4:127,893,496, plus strand): 5'-GGTTTTTCATACCAATTAATAATGATTGCAAATGACATAGGTGAAACAATGACAGAAGCA[CTCT>C]TCTTTTGAAATAGGGTCATCGTATTTGTTTAGCACTGGAATCCATAATTTCAGAAGAGGA-3'